The following is an entry in ClinVar:

ClinVar aggregate classification (germline): Uncertain significance (1 of 4 stars; one submission).

Conditions:
Autosomal recessive ataxia, Beauce type. Also called: SYNE1 Deficiency; Spinocerebellar ataxia, autosomal recessive 8; ATAXIA, RECESSIVE, OF BEAUCE; SYNE1-Related Autosomal Recessive Cerebellar Ataxia. Identifiers: Orphanet 88644, MedGen C1853116, MONDO:0012549, OMIM 610743.
Emery-Dreifuss muscular dystrophy 4, autosomal dominant (EDMD4). Also called: EMERY-DREIFUSS MUSCULAR DYSTROPHY 4 WITH VARIABLE FEATURES. Identifiers: Orphanet 261, MedGen C2751807, MONDO:0013071, OMIM 612998.

Submission:

Labcorp Genetics (formerly Invitae), Labcorp
Classification: Uncertain significance for Emery-Dreifuss muscular dystrophy 4, autosomal dominant; Autosomal recessive ataxia, Beauce type. Last evaluated: 2022-06-11. Review status: criteria provided, single submitter. Criteria: Invitae Variant Classification Sherloc (09022015). Collection method: clinical testing. Allele origin: germline.
Comment: In summary, the available evidence is currently insufficient to determine the role of this variant in disease. Therefore, it has been classified as a Variant of Uncertain Significance. Algorithms developed to predict the effect of sequence changes on RNA splicing suggest that this variant may create or strengthen a splice site. Algorithms developed to predict the effect of missense changes on protein structure and function are either unavailable or do not agree on the potential impact of this missense change (SIFT: "Deleterious"; PolyPhen-2: "Possibly Damaging"; Align-GVGD: "Class C0"). This variant has not been reported in the literature in individuals affected with SYNE1-related conditions. This variant is not present in population databases (gnomAD no frequency). This sequence change replaces leucine, which is neutral and non-polar, with phenylalanine, which is neutral and non-polar, at codon 1080 of the SYNE1 protein (p.Leu1080Phe).

NM_182961.4(SYNE1):c.3217C>T (p.Leu1073Phe)

Gene: SYNE1 (spectrin repeat containing nuclear envelope protein 1; minus strand). Cytogenetic location: 6q25.2.
Variant type: single nucleotide variant.
Coding change: c.3217C>T on transcript NM_182961.4 (MANE Select); coding-DNA position 3217, C replaced by T.
Protein change: p.Leu1073Phe; replaces leucine 1073 with phenylalanine.
Molecular consequence: missense variant.
Genome position (GRCh38, 1-based): chr6:152,450,803, G>A on the plus strand (C>T on the coding strand, the complement: SYNE1 is on the minus strand). VCF-style: chr6-152450803-G-A. GRCh37 (hg19) VCF-style: chr6-152771938-G-A.
Other names: c.3238C>T, p.Leu1080Phe (NM_033071.5); short protein forms L1073F, L1080F.
Identifiers: ClinVar variation 2001033 (VCV002001033.3), dbSNP rs2501586006, ClinGen allele CA366149925.